The following is an entry in ClinVar:

ClinVar aggregate classification (germline): Conflicting classifications of pathogenicity. Review status: criteria provided, conflicting classifications (1 of 4 stars). 3 submissions from 3 submitters: Uncertain significance (1); Benign (1); Likely benign (1). Last evaluated 2025-01-27.

Conditions:
Hereditary nonpolyposis colorectal neoplasms. Identifiers: MedGen C0009405, MeSH D003123.
Hereditary cancer-predisposing syndrome. Also called: Hereditary Cancer Syndrome; Neoplastic Syndromes, Hereditary; Tumor predisposition; Hereditary neoplastic syndrome. Identifiers: Orphanet 140162, MedGen C0027672, MeSH D009386, MONDO:0015356.
Lynch syndrome 4 (LYNCH4). Also called: Colorectal cancer, hereditary nonpolyposis, type 4; Hereditary non-polyposis colorectal cancer, type 4. Identifiers: Orphanet 144, MedGen C1838333, MONDO:0013699, OMIM 614337. Disease mechanism: loss of function.

Submissions (3):

Myriad Genetics, Inc.
Classification: Benign for Lynch syndrome 4. Last evaluated: 2025-01-27. Review status: criteria provided, single submitter. Criteria: Myriad Autosomal Dominant, Autosomal Recessive and X-Linked Classification Criteria (2023). Collection method: clinical testing. Allele origin: unknown.
Comment: This variant is considered benign. This variant is a silent/synonymous amino acid change and it is not expected to impact splicing.

Labcorp Genetics (formerly Invitae), Labcorp
Classification: Uncertain significance for Hereditary nonpolyposis colorectal neoplasms. Last evaluated: 2023-07-08. Review status: criteria provided, single submitter. Criteria: Invitae Variant Classification Sherloc (09022015). Collection method: clinical testing. Allele origin: germline.
Comment: This sequence change affects codon 182 of the PMS2 mRNA. It is a 'silent' change, meaning that it does not change the encoded amino acid sequence of the PMS2 protein. This variant is not present in population databases (gnomAD no frequency). In summary, the available evidence is currently insufficient to determine the role of this variant in disease. Therefore, it has been classified as a Variant of Uncertain Significance. Algorithms developed to predict the effect of sequence changes on RNA splicing suggest that this variant may disrupt the consensus splice site. ClinVar contains an entry for this variant (Variation ID: 480317). This variant has not been reported in the literature in individuals affected with PMS2-related conditions.

Ambry Genetics
Classification: Likely benign for Hereditary cancer-predisposing syndrome. Last evaluated: 2016-02-26. Review status: criteria provided, single submitter. Criteria: Ambry Variant Classification Scheme 2023. Collection method: clinical testing. Allele origin: germline.

NM_000535.7(PMS2):c.546C>T (p.Ala182=)

Gene: PMS2 (PMS1 homolog 2, mismatch repair system component; minus strand). Cytogenetic location: 7p22.1.
Variant type: single nucleotide variant.
Coding change: c.546C>T on transcript NM_000535.7 (MANE Select); coding-DNA position 546, C replaced by T.
Protein change: p.Ala182=; no amino-acid change (alanine 182 retained).
Molecular consequence: synonymous variant. On other transcripts: non-coding transcript variant (1), intron variant (3).
Genome position (GRCh38, 1-based): chr7:5,999,267, G>A on the plus strand (C>T on the coding strand, the complement: PMS2 is on the minus strand). VCF-style: chr7-5999267-G-A. GRCh37 (hg19) VCF-style: chr7-6038898-G-A.
Other names: c.141C>T, p.Ala47= (NM_001322003.2, NM_001322004.2, NM_001322005.2 and 2 more transcripts); c.546C>T, p.Ala182= (NM_001322006.2, NM_001322014.2); c.228C>T, p.Ala76= (NM_001322007.2, NM_001322008.2); c.237C>T, p.Ala79= (NM_001322015.2); c.133-1844C>T (NM_001322013.2); c.-347-41C>T (NM_001322012.2, NM_001322011.2).
Identifiers: ClinVar variation 480317 (VCV000480317.8), dbSNP rs1554302537, ClinGen allele CA453647278.